The following is an entry in ClinVar:

NM_004333.6(BRAF):c.1361A>C (p.Asp454Ala)

Gene: BRAF (B-Raf proto-oncogene, serine/threonine kinase; minus strand). Cytogenetic location: 7q34.
Variant type: single nucleotide variant.
Coding change: c.1361A>C on transcript NM_004333.6 (MANE Select); coding-DNA position 1361, A replaced by C.
Protein change: p.Asp454Ala; replaces aspartic acid 454 with alanine.
Molecular consequence: missense variant.
Genome position (GRCh38, 1-based): chr7:140,781,647, T>G on the plus strand (A>C on the coding strand, the complement: BRAF is on the minus strand). VCF-style: chr7-140781647-T-G. GRCh37 (hg19) VCF-style: chr7-140481447-T-G.
Other names: c.1361A>C, p.Asp454Ala (NM_001354609.2, NM_001378468.1, NM_001378474.1); c.1481A>C, p.Asp494Ala (NM_001374244.1, NM_001374258.1); c.1370A>C, p.Asp457Ala (NM_001378467.1); c.1295A>C, p.Asp432Ala (NM_001378469.1); c.1259A>C, p.Asp420Ala (NM_001378470.1); c.1250A>C, p.Asp417Ala (NM_001378471.1); c.1205A>C, p.Asp402Ala (NM_001378472.1, NM_001378473.1); c.1097A>C, p.Asp366Ala (NM_001378475.1); short protein forms D420A, D494A, D454A, D457A, D366A, D402A, D417A, D432A.
Identifiers: ClinVar variation 4746372 (VCV004746372.1).

ClinVar aggregate classification (germline): Uncertain significance (1 of 4 stars; one submission).

Conditions:
RASopathy. Also called: Noonan spectrum disorder; rasopathies. Identifiers: Orphanet 536391, MedGen C5555857, MONDO:0021060.

gnomAD v4.1: 1 of 1,614,082 alleles (0.000062%); highest among the groups gnomAD compares: East Asian, 0.0022%; no homozygotes.

Submission:

Labcorp Genetics (formerly Invitae), Labcorp
Classification: Uncertain significance for RASopathy. Last evaluated: 2025-10-15. Review status: criteria provided, single submitter. Criteria: Invitae Variant Classification Sherloc (09022015). Collection method: clinical testing. Allele origin: germline.
Comment: This sequence change replaces aspartic acid, which is acidic and polar, with alanine, which is neutral and non-polar, at codon 454 of the BRAF protein (p.Asp454Ala). This variant is not present in population databases (gnomAD no frequency). This variant has not been reported in the literature in individuals affected with BRAF-related conditions. Invitae Evidence Modeling of protein sequence and biophysical properties (such as structural, functional, and spatial information, amino acid conservation, physicochemical variation, residue mobility, and thermodynamic stability) indicates that this missense variant is not expected to disrupt BRAF protein function with a negative predictive value of 95%. In summary, the available evidence is currently insufficient to determine the role of this variant in disease. Therefore, it has been classified as a Variant of Uncertain Significance.